The following is an entry in ClinVar:

ClinVar aggregate classification (germline): Uncertain significance (1 of 4 stars; one submission).

Conditions:
Heterotopia, periventricular, X-linked dominant (PVNH1). Also called: PERIVENTRICULAR NODULAR HETEROTOPIA 4; HETEROTOPIA, PERIVENTRICULAR, 1; PERIVENTRICULAR NODULAR HETEROTOPIA 1; X-linked periventricular heterotopia. Identifiers: Orphanet 2149, Orphanet 82004, MedGen C1848213, MONDO:0010233, OMIM 300049.
Melnick-Needles syndrome (MNS). Also called: MELNICK-NEEDLES OSTEODYSPLASTY; OSTEODYSPLASTY OF MELNICK AND NEEDLES; Melnick-Needles Syndrome (FLNA-MNS). Identifiers: Orphanet 2484, MedGen C0025237, MONDO:0010650, OMIM 309350.
Frontometaphyseal dysplasia (FMD1). Identifiers: Orphanet 1826, MedGen C0265293, MONDO:0015942.
Oto-palato-digital syndrome, type II (OPD2). Also called: FACIOPALATOOSSEOUS SYNDROME; OPD II SYNDROME; Otopalatodigital Syndrome, Type II; Otopalatodigital Syndrome Type 2 (FLNA-OPD2). Identifiers: Orphanet 669, Orphanet 90652, MedGen C1844696, MONDO:0010571, OMIM 304120.

Allele frequency attached by ClinVar (database versions not stated): gnomAD exomes below 0.00001; gnomAD 0.00001; TOPMed 0.00005.
gnomAD v4.1: 3 of 1,210,994 alleles (0.00025%); highest among the groups gnomAD compares: African/African-American, 0.0035%; no homozygotes.

Submission:

Labcorp Genetics (formerly Invitae), Labcorp
Classification: Uncertain significance for Oto-palato-digital syndrome, type II; Heterotopia, periventricular, X-linked dominant; Frontometaphyseal dysplasia; Melnick-Needles syndrome. Last evaluated: 2025-12-16. Review status: criteria provided, single submitter. Criteria: Invitae Variant Classification Sherloc (09022015). Collection method: clinical testing. Allele origin: germline.
Comment: This sequence change replaces proline, which is neutral and non-polar, with serine, which is neutral and polar, at codon 2121 of the FLNA protein (p.Pro2121Ser). This variant is not present in population databases (gnomAD no frequency). This variant has not been reported in the literature in individuals affected with FLNA-related conditions. ClinVar contains an entry for this variant (Variation ID: 1384316). Invitae Evidence Modeling of protein sequence and biophysical properties (such as structural, functional, and spatial information, amino acid conservation, physicochemical variation, residue mobility, and thermodynamic stability) has been performed for this missense variant. However, the output from this modeling did not meet the statistical confidence thresholds required to predict the impact of this variant on FLNA protein function. In summary, the available evidence is currently insufficient to determine the role of this variant in disease. Therefore, it has been classified as a Variant of Uncertain Significance.

NM_001110556.2(FLNA):c.6385C>T (p.Pro2129Ser)

Gene: FLNA (filamin A; minus strand). Cytogenetic location: Xq28.
Variant type: single nucleotide variant.
Coding change: c.6385C>T on transcript NM_001110556.2 (MANE Select); coding-DNA position 6385, C replaced by T.
Protein change: p.Pro2129Ser; replaces proline 2129 with serine.
Molecular consequence: missense variant.
Genome position (GRCh38, 1-based): chrX:154,352,670, G>A on the plus strand (C>T on the coding strand, the complement: FLNA is on the minus strand). VCF-style: chrX-154352670-G-A. GRCh37 (hg19) VCF-style: chrX-153581038-G-A.
Other names: c.6361C>T, p.Pro2121Ser (NM_001456.4); short protein forms P2129S, P2121S.
Identifiers: ClinVar variation 1384316 (VCV001384316.8), dbSNP rs1277448008, ClinGen allele CA415192719.